The following is an entry in ClinVar:

ClinVar aggregate classification (germline): Conflicting classifications of pathogenicity. Review status: criteria provided, conflicting classifications (1 of 4 stars). 4 submissions from 4 submitters: Uncertain significance (3); Likely benign (1). Last evaluated 2024-08-28.

Conditions:
Charcot-Marie-Tooth disease type 4. Also called: Charcot-Marie-Tooth disease, type IV; Charcot-Marie-Tooth, Type 4. Identifiers: Orphanet 64749, MedGen C4082197, MONDO:0018995.
Inborn genetic diseases. Identifiers: MedGen C0950123, MeSH D030342.

Allele frequency attached by ClinVar (database versions not stated): gnomAD 0.00002 and 0.00003; ExAC 0.00005; TOPMed 0.00005; gnomAD exomes 0.00006 and 0.00007.
gnomAD v4.1: 102 of 1,614,056 alleles (0.0063%); highest among the groups gnomAD compares: Middle Eastern, 0.033%; no homozygotes.

Submissions (4):

Labcorp Genetics (formerly Invitae), Labcorp
Classification: Uncertain significance for Charcot-Marie-Tooth disease type 4. Last evaluated: 2024-08-28. Review status: criteria provided, single submitter. Criteria: Invitae Variant Classification Sherloc (09022015). Collection method: clinical testing. Allele origin: germline.
Comment: This sequence change replaces threonine, which is neutral and polar, with isoleucine, which is neutral and non-polar, at codon 1098 of the SH3TC2 protein (p.Thr1098Ile). This variant is present in population databases (rs199514987, gnomAD 0.02%). This variant has not been reported in the literature in individuals affected with SH3TC2-related conditions. ClinVar contains an entry for this variant (Variation ID: 476906). Invitae Evidence Modeling of protein sequence and biophysical properties (such as structural, functional, and spatial information, amino acid conservation, physicochemical variation, residue mobility, and thermodynamic stability) indicates that this missense variant is not expected to disrupt SH3TC2 protein function with a negative predictive value of 95%. In summary, the available evidence is currently insufficient to determine the role of this variant in disease. Therefore, it has been classified as a Variant of Uncertain Significance.

CeGaT Center for Human Genetics Tuebingen
Classification: Likely benign. Last evaluated: 2024-04-01. Review status: criteria provided, single submitter. Criteria: CeGaT Center For Human Genetics Tuebingen Variant Classification Criteria Version 2. Collection method: clinical testing. Allele origin: germline. Affected: yes. Observed: 2 variant alleles.
Comment: SH3TC2: BP4

Ambry Genetics
Classification: Uncertain significance for Inborn genetic diseases. Last evaluated: 2023-10-26. Review status: criteria provided, single submitter. Criteria: Ambry Variant Classification Scheme 2023. Collection method: clinical testing. Allele origin: germline.

Revvity Omics, Revvity
Classification: Uncertain significance. Last evaluated: 2021-03-26. Review status: criteria provided, single submitter. Criteria: ACMG Guidelines, 2015. Collection method: clinical testing. Allele origin: germline.

NM_024577.4(SH3TC2):c.3293C>T (p.Thr1098Ile)

Gene: SH3TC2 (SH3 domain and tetratricopeptide repeats 2; minus strand). Cytogenetic location: 5q32.
Variant type: single nucleotide variant.
Coding change: c.3293C>T on transcript NM_024577.4 (MANE Select); coding-DNA position 3293, C replaced by T.
Protein change: p.Thr1098Ile; replaces threonine 1098 with isoleucine.
Molecular consequence: missense variant.
Genome position (GRCh38, 1-based): chr5:149,010,304, G>A on the plus strand (C>T on the coding strand, the complement: SH3TC2 is on the minus strand). VCF-style: chr5-149010304-G-A. GRCh37 (hg19) VCF-style: chr5-148389867-G-A.
Other names: short protein forms T1098I.
Identifiers: ClinVar variation 476906 (VCV000476906.54), dbSNP rs199514987, ClinGen allele CA3498791.
Genomic context (GRCh38, chr5:149,010,304, plus strand): 5'-CAGCAAACTGCACAGCTTGGACTTACTCGGTAGTACTCCACTGCATGATGCCTGTGGCGG[G>A]TCCCATTGAAGAACACATCACCTGCTTCTTCATAAAGTTTGAGAGCCAGCAAAGGCTCCT-3'
Protein context (NP_078853.2, residues 1088-1108): EEAGDVFFNG[Thr1098Ile]RHRHHAVEYY